The following is an entry in ClinVar:

ClinVar aggregate classification (germline): Likely benign. Review status: criteria provided, single submitter (1 of 4 stars). 2 submissions from 2 submitters: Likely benign (1). 1 of the submissions does not count toward it. Last evaluated 2025-01-19.

Conditions:
FLNB-related disorder. Also called: FLNB-related condition; FLNB-related disorders. Identifiers: MedGen CN381095.

Allele frequency attached by ClinVar (database versions not stated): ExAC 0.00001; gnomAD exomes 0.00001; TOPMed 0.00002; gnomAD 0.00003.
gnomAD v4.1: 68 of 1,614,054 alleles (0.0042%); highest among the groups gnomAD compares: Non-Finnish European, 0.0053%; no homozygotes.

Submissions (2):

Labcorp Genetics (formerly Invitae), Labcorp
Classification: Likely benign. Last evaluated: 2025-01-19. Review status: criteria provided, single submitter. Criteria: Invitae Variant Classification Sherloc (09022015). Collection method: clinical testing. Allele origin: germline.

PreventionGenetics, part of Exact Sciences
Classification: Likely benign for FLNB-related condition. Last evaluated: 2021-09-27. Review status: no assertion criteria provided. Collection method: clinical testing. Allele origin: germline. Not counted in ClinVar's aggregate classification.
Comment: This variant is classified as likely benign based on ACMG/AMP sequence variant interpretation guidelines (Richards et al. 2015 PMID: 25741868, with internal and published modifications).

NM_001457.4(FLNB):c.2361G>T (p.Val787=)

Gene: FLNB (filamin B; plus strand). Cytogenetic location: 3p14.3.
Variant type: single nucleotide variant.
Coding change: c.2361G>T on transcript NM_001457.4 (MANE Select); coding-DNA position 2361, G replaced by T.
Protein change: p.Val787=; no amino-acid change (valine 787 retained).
Molecular consequence: synonymous variant.
Genome position (GRCh38, 1-based): chr3:58,110,047, G>T. VCF-style: chr3-58110047-G-T. GRCh37 (hg19) VCF-style: chr3-58095774-G-T.
Other names: c.2361G>T, p.Val787= (NM_001164317.2, NM_001164318.2, NM_001164319.2).
Identifiers: ClinVar variation 722620 (VCV000722620.9), dbSNP rs777257207, ClinGen allele CA2468105.
Genomic context (GRCh38, chr3:58,110,047, plus strand): 5'-GCTAATAAGCTGGTCTGTTCCAGGTGATGTCAGTGTTGGCATTAAGTGTGATGCCCGGGT[G>T]TTAAGTGAAGATGAGGAAGACGTGGATTTTGACATTATTCACAATGCCAATGATACGTTC-3'
Protein context (NP_001448.2, residues 777-797): VSVGIKCDAR[Val787=]LSEDEEDVDF